The following is an entry in ClinVar:

NM_022437.3(ABCG8):c.974C>T (p.Thr325Ile)

Gene: ABCG8 (ATP binding cassette subfamily G member 8; plus strand). Cytogenetic location: 2p21.
Variant type: single nucleotide variant.
Coding change: c.974C>T on transcript NM_022437.3 (MANE Select); coding-DNA position 974, C replaced by T.
Protein change: p.Thr325Ile; replaces threonine 325 with isoleucine.
Molecular consequence: missense variant.
Genome position (GRCh38, 1-based): chr2:43,871,985, C>T. VCF-style: chr2-43871985-C-T. GRCh37 (hg19) VCF-style: chr2-44099124-C-T.
Other names: c.974C>T, p.Thr325Ile (NM_001357321.2); short protein forms T325I.
Identifiers: ClinVar variation 3227795 (VCV003227795.1), dbSNP rs372660816, ClinGen allele CA1637239.

ClinVar aggregate classification (germline): Uncertain significance (1 of 4 stars; one submission).

Conditions:
Cardiovascular phenotype. Identifiers: MedGen CN230736.

gnomAD v4.1: 1 of 1,614,042 alleles (0.000062%); highest among the groups gnomAD compares: South Asian, 0.0011%; no homozygotes.

Submission:

Ambry Genetics
Classification: Uncertain significance for Cardiovascular phenotype. Last evaluated: 2023-11-01. Review status: criteria provided, single submitter. Criteria: Ambry Variant Classification Scheme 2023. Collection method: clinical testing. Allele origin: germline.
Comment: The p.T325I variant (also known as c.974C>T), located in coding exon 7 of the ABCG8 gene, results from a C to T substitution at nucleotide position 974. The threonine at codon 325 is replaced by isoleucine, an amino acid with similar properties. This amino acid position is conserved. In addition, this alteration is predicted to be tolerated by in silico analysis. Since supporting evidence is limited at this time, the clinical significance of this alteration remains unclear.